The following is an entry in ClinVar:

ClinVar aggregate classification (germline): Likely benign (1 of 4 stars; one submission).

gnomAD v4.1: 18 of 1,614,108 alleles (0.0011%); highest among the groups gnomAD compares: Non-Finnish European, 0.0015%; no homozygotes.

Submission:

CeGaT Center for Human Genetics Tuebingen
Classification: Likely benign. Last evaluated: 2022-06-01. Review status: criteria provided, single submitter. Criteria: CeGaT Center For Human Genetics Tuebingen Variant Classification Criteria Version 2. Collection method: clinical testing. Allele origin: germline. Affected: yes. Observed: 1 variant allele.
Comment: CRBN: BP4, BP7

NM_016302.4(CRBN):c.279C>A (p.Pro93=)

Gene: CRBN (cereblon; minus strand). Cytogenetic location: 3p26.2.
Variant type: single nucleotide variant.
Coding change: c.279C>A on transcript NM_016302.4 (MANE Select); coding-DNA position 279, C replaced by A.
Protein change: p.Pro93=; no amino-acid change (proline 93 retained).
Molecular consequence: synonymous variant.
Genome position (GRCh38, 1-based): chr3:3,174,157, G>T on the plus strand (C>A on the coding strand, the complement: CRBN is on the minus strand). VCF-style: chr3-3174157-G-T. GRCh37 (hg19) VCF-style: chr3-3215841-G-T.
Other names: c.276C>A, p.Pro92= (NM_001173482.1).
Identifiers: ClinVar variation 1695057 (VCV001695057.31), dbSNP rs773279779, ClinGen allele CA2229323.
Genomic context (GRCh38, chr3:3,174,157, plus strand): 5'-TAAATTCCGCACCATACTGACTTCTTGAGGGTGAAAAAGCTGAAGAGGTAATGTCTGTCC[G>T]GGAATCAGGATCATCATCACTTGTGGAAGAACTGGAATCACCTGACAGCTGTCGTCATCG-3'
Protein context (NP_057386.2, residues 83-103): VLPQVMMILI[Pro93=]GQTLPLQLFH